The following is an entry in ClinVar:

ClinVar aggregate classification (germline): Benign/Likely benign. Review status: criteria provided, multiple submitters, no conflicts (2 of 4 stars). 3 submissions from 3 submitters: Benign (1); Likely benign (2). Last evaluated 2024-10-07.

Conditions:
Hereditary cancer-predisposing syndrome. Also called: Neoplastic Syndromes, Hereditary; Hereditary Cancer Syndrome; Tumor predisposition; Hereditary neoplastic syndrome. Identifiers: Orphanet 140162, MedGen C0027672, MeSH D009386, MONDO:0015356.
Familial cancer of breast. Also called: BREAST CANCER, FAMILIAL; hereditary breast carcinoma; Hereditary breast cancer. Identifiers: Orphanet 227535, MedGen C0346153, MONDO:0016419, OMIM 114480. Disease mechanism: loss of function.

Submissions (3):

Myriad Genetics, Inc.
Classification: Benign for Familial cancer of breast. Last evaluated: 2024-10-07. Review status: criteria provided, single submitter. Criteria: Myriad Autosomal Dominant, Autosomal Recessive and X-Linked Classification Criteria (2023). Collection method: clinical testing. Allele origin: unknown.
Comment: This variant is considered benign. This variant is a silent/synonymous amino acid change and it is not expected to impact splicing.

Labcorp Genetics (formerly Invitae), Labcorp
Classification: Likely benign for Familial cancer of breast. Last evaluated: 2021-11-09. Review status: criteria provided, single submitter. Criteria: Invitae Variant Classification Sherloc (09022015). Collection method: clinical testing. Allele origin: germline.

Ambry Genetics
Classification: Likely benign for Hereditary cancer-predisposing syndrome. Last evaluated: 2018-11-14. Review status: criteria provided, single submitter. Criteria: Ambry Variant Classification Scheme 2023. Collection method: clinical testing. Allele origin: germline.

NM_007194.4(CHEK2):c.1248T>A (p.Ile416=)

Gene: CHEK2 (checkpoint kinase 2; minus strand). Cytogenetic location: 22q12.1.
Variant type: single nucleotide variant.
Coding change: c.1248T>A on transcript NM_007194.4 (MANE Select); coding-DNA position 1248, T replaced by A.
Protein change: p.Ile416=; no amino-acid change (isoleucine 416 retained).
Molecular consequence: synonymous variant.
Genome position (GRCh38, 1-based): chr22:28,695,721, A>T on the plus strand (T>A on the coding strand, the complement: CHEK2 is on the minus strand). VCF-style: chr22-28695721-A-T. GRCh37 (hg19) VCF-style: chr22-29091709-A-T.
Other names: c.1377T>A, p.Ile459= (NM_001005735.3); c.585T>A, p.Ile195= (NM_001257387.3); c.1047T>A, p.Ile349= (NM_001349956.3); c.1161T>A, p.Ile387= (NM_145862.3).
Identifiers: ClinVar variation 744754 (VCV000744754.15), dbSNP rs1601721811, ClinGen allele CA513944858.
Genomic context (GRCh38, chr22:28,695,721, plus strand): 5'-CATCTAATCACCTCCTACCAGTCTGTGCAGCAATGAAAATATTTCTTACCAGATAAAAAG[A>T]ATAACTCCTAAACTCCAGCAGTCCACAGCACGGTTATACCCAGCAGTCCCAACAGAAACA-3'
Protein context (NP_009125.1, residues 406-426): RAVDCWSLGV[Ile416=]LFICLSGYPP